The following is an entry in ClinVar:

NM_005584.5(MAB21L1):c.216C>G (p.Thr72=)

Genes: MAB21L1 (mab-21 like 1; minus strand), NBEA (neurobeachin; plus strand). Cytogenetic location: 13q13.3.
Variant type: single nucleotide variant.
Coding change: c.216C>G on transcript NM_005584.5 (MANE Select); coding-DNA position 216, C replaced by G.
Protein change: p.Thr72=; no amino-acid change (threonine 72 retained).
Molecular consequence: synonymous variant. On other transcripts: intron variant (3).
Genome position (GRCh38, 1-based): chr13:35,475,923, G>C on the plus strand (C>G on the coding strand, the complement: MAB21L1 is on the minus strand). VCF-style: chr13-35475923-G-C. GRCh37 (hg19) VCF-style: chr13-36050060-G-C.
Other names: c.6585+3387G>C (NM_001385012.1, NM_015678.5); c.6576+3387G>C (NM_001379245.1).
Identifiers: ClinVar variation 3905673 (VCV003905673.10).
Genomic context (GRCh38, chr13:35,475,923, plus strand): 5'-GCCATCGTCCACGAAGTTGAACACCCCCATTTGGTTGAGATAAAGCACCACTTCAAATTC[G>C]GTGGGGGAGATGACCTCGAGGCCCTCGTAGCGATTGTCCATCTCGTTGAGAGAGCTGATG-3'
Protein context (NP_005575.1, residues 62-82): RYEGLEVISP[Thr72=]EFEVVLYLNQ

ClinVar aggregate classification (germline): Likely benign (1 of 4 stars; one submission).

gnomAD v4.1: 14 of 1,614,168 alleles (0.00087%); highest among the groups gnomAD compares: Non-Finnish European, 0.0011%; no homozygotes.

Submission:

CeGaT Center for Human Genetics Tuebingen
Classification: Likely benign. Last evaluated: 2025-06-01. Review status: criteria provided, single submitter. Criteria: CeGaT Center For Human Genetics Tuebingen Variant Classification Criteria Version 2. Collection method: clinical testing. Allele origin: germline. Affected: yes. Observed: 1 variant allele.
Comment: MAB21L1: BP4, BP7